The following is an entry in ClinVar:

ClinVar aggregate classification (germline): Likely benign (1 of 4 stars; one submission).

gnomAD v4.1: 7 of 1,361,918 alleles (0.00051%); highest among the groups gnomAD compares: South Asian, 0.0083%; no homozygotes.

Submission:

CeGaT Center for Human Genetics Tuebingen
Classification: Likely benign. Last evaluated: 2023-07-01. Review status: criteria provided, single submitter. Criteria: CeGaT Center For Human Genetics Tuebingen Variant Classification Criteria Version 2. Collection method: clinical testing. Allele origin: germline. Affected: yes. Observed: 1 variant allele.
Comment: CDH15: BP4, BP7

NM_004933.3(CDH15):c.1977C>G (p.Gly659=)

Gene: CDH15 (cadherin 15; plus strand). Cytogenetic location: 16q24.3.
Variant type: single nucleotide variant.
Coding change: c.1977C>G on transcript NM_004933.3 (MANE Select); coding-DNA position 1977, C replaced by G.
Protein change: p.Gly659=; no amino-acid change (glycine 659 retained).
Molecular consequence: synonymous variant.
Genome position (GRCh38, 1-based): chr16:89,193,591, C>G. VCF-style: chr16-89193591-C-G. GRCh37 (hg19) VCF-style: chr16-89259999-C-G.
Identifiers: ClinVar variation 2647042 (VCV002647042.24), dbSNP rs200178583, ClinGen allele CA8239487.